The following is an entry in ClinVar:

ClinVar aggregate classification (germline): Pathogenic (1 of 4 stars; one submission).

Submission:

Labcorp Genetics (formerly Invitae), Labcorp
Classification: Pathogenic. Last evaluated: 2022-10-14. Review status: criteria provided, single submitter. Criteria: Invitae Variant Classification Sherloc (09022015). Collection method: clinical testing. Allele origin: germline.
Comment: For these reasons, this variant has been classified as Pathogenic. This sequence change creates a premature translational stop signal (p.Val657Serfs*88) in the PCARE gene. It is expected to result in an absent or disrupted protein product. Loss-of-function variants in PCARE are known to be pathogenic (PMID: 20398886, 24339724, 26496393). This variant is not present in population databases (gnomAD no frequency). This variant has not been reported in the literature in individuals affected with PCARE-related conditions.

Literature cited by the submitters: PubMed 20398886; PubMed 24339724; PubMed 26496393.

NM_001029883.3(PCARE):c.1969del (p.Val657fs)

Gene: PCARE (photoreceptor cilium actin regulator; minus strand). Cytogenetic location: 2p23.2.
Variant type: Deletion.
Coding change: c.1969del on transcript NM_001029883.3 (MANE Select); coding-DNA position 1969, one base deleted (G; older notation c.1969delG).
Protein change: p.Val657fs; shifts the reading frame from valine 657.
Molecular consequence: frameshift variant.
Genome position (GRCh38, 1-based): chr2:29,072,293, C deleted on the plus strand (G on the coding strand, the reverse complement: PCARE is on the minus strand); the first of 3 consecutive C bases (chr2:29,072,293-29,072,295); deleting any one gives the same sequence. VCF-style (leftmost placement, unchanged base first): chr2-29072292-AC-A. GRCh37 (hg19) VCF-style: chr2-29295158-AC-A.
Other names: short protein forms V657fs.
Identifiers: ClinVar variation 2035634 (VCV002035634.4), dbSNP rs1667504686, ClinGen allele CA1028803439.
Genomic context (GRCh38, chr2:29,072,292, plus strand): 5'-AAAATACTGAAGTTCTTGGTGAGGGATGCCTTGAGCCTGCTGGTGGTGTTGCTTGGACTG[AC>A]CCTGCAGGTGCCATTGGGCCACACGGCGGCTGCTCTGGGCTGCAGAATTTGCTCCTGGCT-3'